The following is an entry in ClinVar:

NC_000001.11:g.75745798_75745814TC[2]TTAGGTATTTTTTTTTTTTTTTTTTTTTTTTTTNNNNNNNNNNTGACCTCATGATCCACCCGCCTCGGCCTCCCAAAGTGCTGGGATTACAGGCGTGAGCCACCGCGCCCGGCCTCTCTTAGGTATTTTTT[1]

Gene: ACADM (acyl-CoA dehydrogenase medium chain; plus strand). Cytogenetic location: 1p31.1.
Variant type: Microsatellite.
Genome position: GRCh38: chr1:75,745,798-75,745,814. GRCh37 (hg19), VCF-style position (the base before the change): chr1:76,211,482.
Identifiers: ClinVar variation 2839315 (VCV002839315.3).

ClinVar aggregate classification (germline): Pathogenic (1 of 4 stars; one submission).

Conditions:
Medium-chain acyl-coenzyme A dehydrogenase deficiency (ACADMD). Also called: Medium chain acyl-CoA dehydrogenase deficiency; ACADM DEFICIENCY; MCADD; CARNITINE DEFICIENCY SECONDARY TO MEDIUM-CHAIN ACYL-CoA DEHYDROGENASE DEFICIENCY; MCAD Deficiency; MCADH DEFICIENCY. Identifiers: Orphanet 42, MedGen C0220710, MONDO:0008721, OMIM 201450.

Submission:

Labcorp Genetics (formerly Invitae), Labcorp
Classification: Pathogenic for Medium-chain acyl-coenzyme A dehydrogenase deficiency. Last evaluated: 2025-12-23. Review status: criteria provided, single submitter. Criteria: Invitae Variant Classification Sherloc (09022015). Collection method: clinical testing. Allele origin: germline.
Comment: This sequence change inserts a large fragment of DNA, likely a transposable element, in exon 8 of the ACADM gene (c.608_609ins?), causing a frameshift at codon 203 (p.Leu203fs). The exact size and sequence of the insertion cannot be determined by the current assay. However, the insertion is expected to result in an absent or disrupted protein product. This variant is not present in population databases (gnomAD no frequency). This variant has not been reported in the literature in individuals affected with ACADM-related conditions. Algorithms developed to predict the effect of sequence changes on RNA splicing suggest that this variant may disrupt the consensus splice site. Retrotransposon insertions including LINE1 (L1), Alu, and SVA (SINE-VNTR-Alu) have been reported to be disease-causing through disruption of either a coding region or splice site (PMID: 19763152, 20307669, 22406018) and loss-of-function variants in ACADM are known to be pathogenic (PMID: 16121256, 20434380). For these reasons, this variant has been classified as Pathogenic.

Literature cited by the submitters: PubMed 19763152; PubMed 20307669; PubMed 22406018; PubMed 16121256; PubMed 20434380.